The following continues an entry in ClinVar:

NM_014946.4(SPAST):c.1378C>T (p.Arg460Cys)

Gene: SPAST. ClinVar aggregate classification (germline): Pathogenic. Pathogenic (14).

Submissions 13 to 18 of 18:

Athena Diagnostics
Classification: Pathogenic. Last evaluated: 2018-08-29. Review status: criteria provided, single submitter. Criteria: Athena Diagnostics Criteria. Collection method: clinical testing. Allele origin: germline.
Comment: Not found in the total gnomAD dataset, and the data is high quality (0/276546 chr). Statistically enriched in patients compared to ethnically matched controls. Predicted to have a damaging effect on the protein. Located in potentially critical domain of the protein. Two other pathogenic or likely pathogenic variants affect the same amino acid. Co-occurs with otherwise positive results less than expected.

Paris Brain Institute, Inserm - ICM
Classification: Pathogenic for Hereditary spastic paraplegia 4. Review status: criteria provided, single submitter. Criteria: ACMG Guidelines, 2015. Collection method: clinical testing. Allele origin: unknown. Affected: yes. Observed: 7 variant alleles.

Clinical Genetics Laboratory, University Hospital Schleswig-Holstein
Classification: Pathogenic for Hereditary spastic paraplegia 4. Last evaluated: 2024-02-22. Review status: no assertion criteria provided. Collection method: clinical testing. Allele origin: germline. Affected: yes. Not counted in ClinVar's aggregate classification.

Diagnostic Laboratory, Department of Genetics, University Medical Center Groningen
Classification: Likely pathogenic. Review status: no assertion criteria provided. Collection method: clinical testing. Allele origin: germline. Affected: yes. Study: VKGL Data-share Consensus. Not counted in ClinVar's aggregate classification.

Genome Diagnostics Laboratory, University Medical Center Utrecht
Classification: Pathogenic. Review status: no assertion criteria provided. Collection method: clinical testing. Allele origin: germline. Affected: yes. Study: VKGL Data-share Consensus. Not counted in ClinVar's aggregate classification.

Joint Genome Diagnostic Labs from Nijmegen and Maastricht, Radboudumc and MUMC+
Classification: Pathogenic. Review status: no assertion criteria provided. Collection method: clinical testing. Allele origin: germline. Affected: yes. Study: VKGL Data-share Consensus. Not counted in ClinVar's aggregate classification.

Literature cited by the submitters: PubMed 15248095 (cited by Labcorp Genetics (formerly Invitae), Labcorp); PubMed 15482961 (cited by 4 submitters); PubMed 16055926 (cited by Labcorp Genetics (formerly Invitae), Labcorp); PubMed 16832076 (cited by Labcorp Genetics (formerly Invitae), Labcorp); PubMed 17594340 (cited by Labcorp Genetics (formerly Invitae), Labcorp); PubMed 18701882 (cited by Labcorp Genetics (formerly Invitae), Labcorp and Athena Diagnostics); PubMed 20718791 (cited by Labcorp Genetics (formerly Invitae), Labcorp and Athena Diagnostics); PubMed 22960362 (cited by Labcorp Genetics (formerly Invitae), Labcorp and Athena Diagnostics); PubMed 24451228 (cited by Labcorp Genetics (formerly Invitae), Labcorp and Athena Diagnostics); PubMed 25658484 (cited by Labcorp Genetics (formerly Invitae), Labcorp); PubMed 11809724 (cited by Labcorp Genetics (formerly Invitae), Labcorp); PubMed 29246610 (cited by 4 submitters); PubMed 34983064 (cited by Women's Health and Genetics/Laboratory Corporation of America, LabCorp); PubMed 26671083 (cited by Mayo Clinic Laboratories, Mayo Clinic and Athena Diagnostics); PubMed 27108959 (cited by Mayo Clinic Laboratories, Mayo Clinic and Athena Diagnostics); PubMed 30778698 (cited by Mayo Clinic Laboratories, Mayo Clinic and Victorian Clinical Genetics Services, Murdoch Childrens Research Institute); PubMed 27688599 (cited by Victorian Clinical Genetics Services, Murdoch Childrens Research Institute and Athena Diagnostics); PubMed 28572275 (cited by Victorian Clinical Genetics Services, Murdoch Childrens Research Institute and Athena Diagnostics); PubMed 30006150 (cited by Victorian Clinical Genetics Services, Murdoch Childrens Research Institute); PubMed 30476002 (cited by Victorian Clinical Genetics Services, Murdoch Childrens Research Institute); PubMed 24033003 (cited by Athena Diagnostics); PubMed 26208798 (cited by Athena Diagnostics); PubMed 20562464 (cited by Athena Diagnostics).